The following is an entry in ClinVar:

ClinVar aggregate classification (germline): Benign. Review status: criteria provided, multiple submitters, no conflicts (2 of 4 stars). 4 submissions from 4 submitters: Benign (3). 1 of the submissions does not count toward it. Last evaluated 2019-02-18.

Conditions:
Tay-Sachs disease, variant AB. Also called: Gm2-gangliosidosis, ab variant; GM2 Activator Deficiency. Identifiers: Orphanet 309246, MedGen C0268275, MONDO:0010099, OMIM 272750.

Allele frequency attached by ClinVar (database versions not stated): gnomAD exomes 0.07156; ExAC 0.07616; gnomAD 0.08802 and 0.08963; ESP Exome Variant Server 0.08811; TOPMed 0.09544; 1000 Genomes Project 0.14517; 1000 Genomes Project 30x 0.14710.
gnomAD v4.1: 80,095 of 1,613,684 alleles (5%); highest among the groups gnomAD compares: East Asian, 25%; 4,353 homozygotes.

Submissions (4):

GeneDx
Classification: Benign. Last evaluated: 2019-02-18. Review status: criteria provided, single submitter. Criteria: GeneDx Variant Classification Process June 2021. Collection method: clinical testing. Allele origin: germline. Affected: yes.

Illumina Laboratory Services, Illumina
Classification: Benign for Tay-Sachs disease, variant AB. Last evaluated: 2018-01-13. Review status: criteria provided, single submitter. Criteria: ICSL Variant Classification Criteria 13 December 2019. Collection method: clinical testing. Allele origin: germline.
Comment: This variant was observed in the ICSL laboratory as part of a predisposition screen in an ostensibly healthy population. It had not been previously curated by ICSL or reported in the Human Gene Mutation Database (HGMD: prior to June 1st, 2018), and was therefore a candidate for classification through an automated scoring system. Utilizing variant allele frequency, disease prevalence and penetrance estimates, and inheritance mode, an automated score was calculated to assess if this variant is too frequent to cause the disease. Based on the score and internal cut-off values, a variant classified as benign is not then subjected to further curation. The score for this variant resulted in a classification of benign for this disease.

PreventionGenetics, part of Exact Sciences
Classification: Benign. Review status: criteria provided, single submitter. Criteria: ACMG Guidelines, 2015. Collection method: clinical testing. Allele origin: germline.

Mayo Clinic Laboratories, Mayo Clinic
Classification: Benign. Last evaluated: 2015-12-16. Review status: no assertion criteria provided. Collection method: clinical testing. Allele origin: unknown. Not counted in ClinVar's aggregate classification.

NM_000405.5(GM2A):c.*28C>T

Gene: GM2A (ganglioside GM2 activator; plus strand). Cytogenetic location: 5q33.1.
Variant type: single nucleotide variant.
Coding change: c.*28C>T on transcript NM_000405.5 (MANE Select); 28 bases downstream of the stop codon, C replaced by T.
Molecular consequence: 3 prime UTR variant. On other transcripts: intron variant (1).
Genome position (GRCh38, 1-based): chr5:151,267,479, C>T. VCF-style: chr5-151267479-C-T. GRCh37 (hg19) VCF-style: chr5-150647040-C-T.
Other names: c.413-13C>T (NM_001167607.3).
Identifiers: ClinVar variation 256029 (VCV000256029.11), dbSNP rs9324685, ClinGen allele CA3518012.
Genomic context (GRCh38, chr5:151,267,479, plus strand): 5'-ATCAAGATCGCTGCCTCTCTAAAGGGCATATAACATGGCATCTGCCACAGCAGAATGGAG[C>T]GGTGTGAGGAAGGTCCCTTTTCCTCTGTTTTGTGTTTGCCAAGGCCAAACTCCCACTCTC-3'